The following is an entry in ClinVar:

ClinVar aggregate classification (germline): Pathogenic/Likely pathogenic. Review status: criteria provided, multiple submitters, no conflicts (2 of 4 stars). 2 submissions from 2 submitters: Pathogenic (1); Likely pathogenic (1). Last evaluated 2023-03-07.

Conditions:
Hereditary spastic paraplegia 7 (SPG7). Also called: SPG7-related neurologic disorder; Spastic paraplegia 7; Hereditary spastic paraplegia Paraplegin type; Autosomal recessive spastic paraplegia type 7; SPASTIC PARAPLEGIA 7, AUTOSOMAL RECESSIVE, WITH OR WITHOUT CEREBELLAR ATAXIA. Identifiers: Orphanet 99013, MedGen C1846564, MONDO:0011803, OMIM 607259.

Submissions (2):

Labcorp Genetics (formerly Invitae), Labcorp
Classification: Pathogenic for Hereditary spastic paraplegia 7. Last evaluated: 2023-03-07. Review status: criteria provided, single submitter. Criteria: Invitae Variant Classification Sherloc (09022015). Collection method: clinical testing. Allele origin: germline.
Comment: This variant is not present in population databases (gnomAD no frequency). This variant has not been reported in the literature in individuals affected with SPG7-related conditions. For these reasons, this variant has been classified as Pathogenic. This sequence change creates a premature translational stop signal (p.Trp92Alafs*10) in the SPG7 gene. It is expected to result in an absent or disrupted protein product. Loss-of-function variants in SPG7 are known to be pathogenic (PMID: 21623769, 22964162).

PROSPAX: an integrated multimodal progression  chart in spastic ataxias, Center for Neurology; Hertie-Institute for Clinical Brain Research
Classification: Likely pathogenic for Hereditary spastic paraplegia 7. Last evaluated: 2022-01-01. Review status: criteria provided, single submitter. Criteria: ACMG Guidelines, 2015. Collection method: research. Allele origin: germline. Affected: yes. Observed: 1 variant allele, 1 compound heterozygote.

Literature cited by the submitters: PubMed 21623769 (cited by Labcorp Genetics (formerly Invitae), Labcorp); PubMed 22964162 (cited by Labcorp Genetics (formerly Invitae), Labcorp).

NM_003119.4(SPG7):c.273_274del (p.Trp92fs)

Gene: SPG7 (SPG7 matrix AAA peptidase subunit, paraplegin; plus strand). Cytogenetic location: 16q24.3.
Variant type: Microsatellite.
Coding change: c.273_274del on transcript NM_003119.4 (MANE Select); coding-DNA positions 273 to 274, 2 bases deleted (CT; older notation c.273_274delCT).
Protein change: p.Trp92fs; shifts the reading frame from tryptophan 92.
Molecular consequence: frameshift variant.
Genome position (GRCh38, 1-based): chr16:89,510,579-89,510,580, CT deleted; deleting any 2 consecutive bases within chr16:89,510,577-89,510,580 gives the same sequence; the c. name uses the placement nearest the transcript's 3' end. VCF-style (leftmost placement, unchanged base first): chr16-89510576-ACT-A. GRCh37 (hg19) VCF-style: chr16-89576984-ACT-A.
Other names: c.273_274del, p.Trp92fs (NM_001363850.1, NM_199367.3); short protein forms W92fs.
Identifiers: ClinVar variation 2801755 (VCV002801755.4), dbSNP rs2543672662, ClinGen allele CA2634964746.